The following is an entry in ClinVar:

NM_002838.5(PTPRC):c.801C>A (p.Asn267Lys)

Gene: PTPRC (protein tyrosine phosphatase receptor type C; plus strand). Cytogenetic location: 1q32.1.
Variant type: single nucleotide variant.
Coding change: c.801C>A on transcript NM_002838.5 (MANE Select); coding-DNA position 801, C replaced by A.
Protein change: p.Asn267Lys; replaces asparagine 267 with lysine.
Molecular consequence: missense variant.
Genome position (GRCh38, 1-based): chr1:198,706,849, C>A. VCF-style: chr1-198706849-C-A. GRCh37 (hg19) VCF-style: chr1-198675978-C-A.
Other names: c.318C>A, p.Asn106Lys (NM_080921.4); short protein forms N106K, N267K.
Identifiers: ClinVar variation 1383390 (VCV001383390.6), dbSNP rs1461459776, ClinGen allele CA344033572.
Genomic context (GRCh38, chr1:198,706,849, plus strand): 5'-ATTTACAGCAAAGCTAAATGTTAATGAGAATGTGGAATGTGGAAACAATACTTGCACAAA[C>A]AATGAGGTGCATAACCTTACAGAATGTAAAAATGCGTCTGTTTCCATATCTCATAATTCA-3'
Protein context (NP_002829.3, residues 257-277): NVECGNNTCT[Asn267Lys]NEVHNLTECK

ClinVar aggregate classification (germline): Uncertain significance (1 of 4 stars; one submission).

Conditions:
Immunodeficiency 104. Also called: SCID, AUTOSOMAL RECESSIVE, T CELL-NEGATIVE, B CELL-POSITIVE, NK CELL-POSITIVE; Severe Combined Immune Deficiency, Autosomal Recessive, TCell -Negative, B Cell-Positive, NK Cell-Positive, IL7R-Related; IMMUNODEFICIENCY 104, SEVERE COMBINED; Severe combined immunodeficiency, autosomal recessive, T cell-negative, B cell-positive, NK cell-positive. Identifiers: MedGen C5676890, MONDO:0012163, OMIM 608971.

Allele frequency attached by ClinVar (database versions not stated): TOPMed below 0.00001; gnomAD 0.00001.
gnomAD v4.1: 1 of 1,612,588 alleles (0.000062%); highest among the groups gnomAD compares: Non-Finnish European, 0.000085%; no homozygotes.

Submission:

Labcorp Genetics (formerly Invitae), Labcorp
Classification: Uncertain significance for Immunodeficiency 104. Last evaluated: 2021-09-26. Review status: criteria provided, single submitter. Criteria: Invitae Variant Classification Sherloc (09022015). Collection method: clinical testing. Allele origin: germline.
Comment: This variant is not present in population databases (ExAC no frequency). In summary, the available evidence is currently insufficient to determine the role of this variant in disease. Therefore, it has been classified as a Variant of Uncertain Significance. Algorithms developed to predict the effect of missense changes on protein structure and function output the following: SIFT: "Tolerated"; PolyPhen-2: "Benign"; Align-GVGD: "Class C0". The lysine amino acid residue is found in multiple mammalian species, which suggests that this missense change does not adversely affect protein function. This variant has not been reported in the literature in individuals affected with PTPRC-related conditions. This sequence change replaces asparagine with lysine at codon 267 of the PTPRC protein (p.Asn267Lys). The asparagine residue is moderately conserved and there is a moderate physicochemical difference between asparagine and lysine.